The following is an entry in ClinVar:

NM_002617.4(PEX10):c.601-72_601-71del

Gene: PEX10 (peroxisomal biogenesis factor 10; minus strand). Cytogenetic location: 1p36.32.
Variant type: Microsatellite.
Coding change: c.601-72_601-71del on transcript NM_002617.4 (MANE Select); 72 bases into the intron before coding-DNA position 601 through 71 bases into the intron before coding-DNA position 601, 2 bases deleted (TG; older notation c.601-72_601-71delTG).
Molecular consequence: intron variant.
Genome position (GRCh38, 1-based): chr1:2,406,966-2,406,967, CA deleted on the plus strand (TG on the coding strand, the reverse complement: PEX10 is on the minus strand); deleting any 2 consecutive bases within chr1:2,406,966-2,406,970 gives the same sequence; the c. name uses the placement nearest the transcript's 3' end. VCF-style (leftmost placement, unchanged base first): chr1-2406965-TCA-T. GRCh37 (hg19) VCF-style: chr1-2338404-TCA-T.
Other names: c.169-72_169-71del (NM_001374427.1); c.169-15_169-14del (NM_001374426.1); c.601-15_601-14del (NM_001374425.1); c.601-12_601-11del (NM_153818.2).
Identifiers: ClinVar variation 2158436 (VCV002158436.4), dbSNP rs2522262090, ClinGen allele CA2580611124.

ClinVar aggregate classification (germline): Uncertain significance (1 of 4 stars; one submission).

Conditions:
Peroxisome biogenesis disorder, complementation group 7 (CG7). Also called: Peroxisome biogenesis disorder, complementation group B. Identifiers: MedGen C1864399.

Submission:

Labcorp Genetics (formerly Invitae), Labcorp
Classification: Uncertain significance for Peroxisome biogenesis disorder, complementation group 7. Last evaluated: 2022-09-12. Review status: criteria provided, single submitter. Criteria: Invitae Variant Classification Sherloc (09022015). Collection method: clinical testing. Allele origin: germline.
Comment: In summary, the available evidence is currently insufficient to determine the role of this variant in disease. Therefore, it has been classified as a Variant of Uncertain Significance. Algorithms developed to predict the effect of sequence changes on RNA splicing suggest that this variant may disrupt the consensus splice site. This variant has not been reported in the literature in individuals affected with PEX10-related conditions. This variant is not present in population databases (gnomAD no frequency). This sequence change falls in intron 3 of the PEX10 gene. It does not directly change the encoded amino acid sequence of the PEX10 protein.